The following is an entry in ClinVar:

NM_001048174.2(MUTYH):c.1310C>T (p.Pro437Leu)

Gene: MUTYH (mutY DNA glycosylase; minus strand). Cytogenetic location: 1p34.1.
Variant type: single nucleotide variant.
Coding change: c.1310C>T on transcript NM_001048174.2 (MANE Select); coding-DNA position 1310, C replaced by T.
Protein change: p.Pro437Leu; replaces proline 437 with leucine.
Molecular consequence: missense variant. On other transcripts: non-coding transcript variant (2).
Genome position (GRCh38, 1-based): chr1:45,331,264, G>A on the plus strand (C>T on the coding strand, the complement: MUTYH is on the minus strand). VCF-style: chr1-45331264-G-A. GRCh37 (hg19) VCF-style: chr1-45796936-G-A.
Other names: c.1313C>T, p.Pro438Leu (NM_001048172.2); c.1310C>T, p.Pro437Leu (NM_001048173.2, NM_001293195.2, NM_001048171.2); c.1394C>T, p.Pro465Leu (NM_001128425.2); c.1355C>T, p.Pro452Leu (NM_001293190.2); c.1343C>T, p.Pro448Leu (NM_001293191.2); c.1034C>T, p.Pro345Leu (NM_001293192.2, NM_001293196.2); c.965C>T, p.Pro322Leu (NM_001350650.2, NM_001350651.2); c.1385C>T, p.Pro462Leu (NM_012222.3); short protein forms P465L, P437L, P322L, P438L, P452L, P462L, P345L, P448L.
Identifiers: ClinVar variation 233870 (VCV000233870.14), dbSNP rs876660697, ClinGen allele CA10577703.
Genomic context (GRCh38, chr1:45,331,264, plus strand): 5'-GCTGCGGTGTGAAATTCCTCCTGCGTCAGCCAGCGAGCACCTGGTGGTACGGTGGTCACT[G>A]GGGTCTGCCCTTCCAAGGCCAGCCCATATACTTGATATGTCAGCTTGATGTGAGAGAAGG-3'
Protein context (NP_001041639.1, residues 427-447): VYGLALEGQT[Pro437Leu]VTTVPPGARW

ClinVar aggregate classification (germline): Conflicting classifications of pathogenicity. Review status: criteria provided, conflicting classifications (1 of 4 stars). 2 submissions from 2 submitters: Uncertain significance (1); Benign (1). Last evaluated 2025-09-09.

Conditions:
Hereditary cancer-predisposing syndrome. Also called: Tumor predisposition; Hereditary Cancer Syndrome; Neoplastic Syndromes, Hereditary; Hereditary neoplastic syndrome. Identifiers: Orphanet 140162, MedGen C0027672, MeSH D009386, MONDO:0015356.
Familial adenomatous polyposis 2. Also called: MYH-associated polyposis; FAP type 2; ADENOMAS, MULTIPLE COLORECTAL, AUTOSOMAL RECESSIVE; MUTYH Polyposis; MUTYH-associated polyposis; MUTYH-related attenuated familial adenomatous polyposis. Identifiers: Orphanet 220460, Orphanet 247798, MedGen C3272841, MONDO:0012041, OMIM 608456.

Allele frequency attached by ClinVar (database versions not stated): TOPMed below 0.00001; gnomAD 0.00001.

Submissions (2):

Ambry Genetics
Classification: Benign for Hereditary cancer-predisposing syndrome. Last evaluated: 2025-09-09. Review status: criteria provided, single submitter. Criteria: Ambry Variant Classification Scheme 2023. Collection method: clinical testing. Allele origin: germline.

Labcorp Genetics (formerly Invitae), Labcorp
Classification: Uncertain significance for Familial adenomatous polyposis 2. Last evaluated: 2023-05-17. Review status: criteria provided, single submitter. Criteria: Invitae Variant Classification Sherloc (09022015). Collection method: clinical testing. Allele origin: germline.
Comment: In summary, the available evidence is currently insufficient to determine the role of this variant in disease. Therefore, it has been classified as a Variant of Uncertain Significance. Algorithms developed to predict the effect of missense changes on protein structure and function output the following: SIFT: "Not Available"; PolyPhen-2: "Benign"; Align-GVGD: "Not Available". The leucine amino acid residue is found in multiple mammalian species, which suggests that this missense change does not adversely affect protein function. ClinVar contains an entry for this variant (Variation ID: 233870). This variant has not been reported in the literature in individuals affected with MUTYH-related conditions. This variant is not present in population databases (gnomAD no frequency). This sequence change replaces proline, which is neutral and non-polar, with leucine, which is neutral and non-polar, at codon 465 of the MUTYH protein (p.Pro465Leu).

Literature cited by the submitters: PubMed 40738107 (cited by Ambry Genetics).